The following is an entry in ClinVar:

NM_001486.4(GCKR):c.490AAG[1] (p.Lys165del)

Gene: GCKR (glucokinase regulator; plus strand). Cytogenetic location: 2p23.3.
Variant type: Microsatellite.
Coding change: c.490AAG[1] on transcript NM_001486.4 (MANE Select); one copy of the 3-base unit AAG starting at c.490; the reference has two copies in a row; one copy, 3 bases deleted.
Protein change: p.Lys165del; deletes lysine 165.
Molecular consequence: inframe deletion.
Genome position (GRCh38, 1-based): chr2:27,499,206-27,499,208, AAG deleted; deleting any 3 consecutive bases within chr2:27,499,202-27,499,208 gives the same sequence; the position shown is the placement nearest the transcript's 3' end. VCF-style (leftmost placement, unchanged base first): chr2-27499201-TGAA-T. GRCh37 (hg19) VCF-style: chr2-27722068-TGAA-T.
Other names: short protein forms K165del.
Identifiers: ClinVar variation 4751760 (VCV004751760.1).

ClinVar aggregate classification (germline): Uncertain significance (1 of 4 stars; one submission).

Submission:

Labcorp Genetics (formerly Invitae), Labcorp
Classification: Uncertain significance. Last evaluated: 2025-08-13. Review status: criteria provided, single submitter. Criteria: Invitae Variant Classification Sherloc (09022015). Collection method: clinical testing. Allele origin: germline.
Comment: This variant, c.493_495del, results in the deletion of 1 amino acid(s) of the GCKR protein (p.Lys165del), but otherwise preserves the integrity of the reading frame. This variant is present in population databases (rs780121754, gnomAD 0.05%). This variant has been observed in individual(s) with dyslipidemia (PMID: 36325899). Algorithms developed to predict the effect of sequence changes on RNA splicing suggest that this variant may disrupt the consensus splice site. In summary, the available evidence is currently insufficient to determine the role of this variant in disease. Therefore, it has been classified as a Variant of Uncertain Significance.

Literature cited by the submitters: PubMed 36325899.